The following is an entry in ClinVar:

NM_000781.3(CYP11A1):c.1076C>T (p.Ala359Val)

Gene: CYP11A1 (cytochrome P450 family 11 subfamily A member 1; minus strand). Cytogenetic location: 15q24.1.
Variant type: single nucleotide variant.
Coding change: c.1076C>T on transcript NM_000781.3 (MANE Select); coding-DNA position 1076, C replaced by T.
Protein change: p.Ala359Val; replaces alanine 359 with valine.
Molecular consequence: missense variant.
Genome position (GRCh38, 1-based): chr15:74,339,668, G>A on the plus strand (C>T on the coding strand, the complement: CYP11A1 is on the minus strand). VCF-style: chr15-74339668-G-A. GRCh37 (hg19) VCF-style: chr15-74632009-G-A.
Other names: c.602C>T, p.Ala201Val (NM_001099773.2); c.1076C>T (NM_000781.2); short protein forms A359V, A201V.
Identifiers: ClinVar variation 17520 (VCV000017520.3), dbSNP rs121912812, ClinGen allele CA127239.

ClinVar aggregate classification (germline): Likely pathogenic. Review status: criteria provided, multiple submitters, no conflicts (2 of 4 stars). 3 submissions from 3 submitters: Likely pathogenic (2). 1 of the submissions does not count toward it. Last evaluated 2025-10-21.

Conditions:
Congenital adrenal insufficiency with 46, XY sex reversal OR 46,XY disorder of sex development-adrenal insufficiency due to CYP11A1 deficiency. Also called: P450scc DEFICIENCY; Congenital adrenal insuffiency with 46, XY sex reversal OR 46,XY disorder of sex development-adrenal insufficiency due to CYP11A1 deficiency. Identifiers: Orphanet 168558, MedGen C3151055, MONDO:0013400, OMIM 613743.

Allele frequency attached by ClinVar (database versions not stated): gnomAD exomes 0.00001 and 0.00003; ExAC 0.00007.
gnomAD v4.1: 25 of 1,614,140 alleles (0.0015%); highest among the groups gnomAD compares: Non-Finnish European, 0.0016%; no homozygotes.

Submissions (3):

Myriad Genetics, Inc.
Classification: Likely pathogenic for Congenital adrenal insufficiency with 46, XY sex reversal OR 46,XY disorder of sex development-adrenal insufficiency due to CYP11A1 deficiency. Last evaluated: 2025-10-21. Review status: criteria provided, single submitter. Criteria: Myriad Autosomal Dominant, Autosomal Recessive and X-Linked Classification Criteria (2023). Collection method: clinical testing. Allele origin: unknown.
Comment: NM_000781.2(CYP11A1):c.1076C>T(A359V) is a missense variant classified as likely pathogenic in the context of congenital adrenal hyperplasia, CYP11A1-related. A359V has been observed in cases with relevant disease (PMID: 16705068, 37151110, 26300845, Xiao_2019_(Abstract), Wang_2025_(Poster), Quigley_2017_(Article)). Relevant functional assessments of this variant are available in the literature (PMID: 21880796, 32623340, 16705068). A359V has been observed in referenced population frequency databases. In summary, NM_000781.2(CYP11A1):c.1076C>T(A359V) is a missense variant that has been observed more frequently in cases with the relevant disease than in healthy populations. Please note: this variant was assessed in the context of healthy population screening.

GeneDx
Classification: Likely pathogenic. Last evaluated: 2024-03-23. Review status: criteria provided, single submitter. Criteria: GeneDx Variant Classification Process June 2021. Collection method: clinical testing. Allele origin: germline. Affected: yes.
Comment: In silico analysis supports that this missense variant has a deleterious effect on protein structure/function; This variant is associated with the following publications: (PMID: 34426522, 21880796, 16705068, 19116240, 21159840, 18182448, 27855232, 37151110, 23337730, 26300845)

OMIM
Classification: Pathogenic for ADRENAL INSUFFICIENCY, CONGENITAL, WITH 46,XY SEX REVERSAL, PARTIAL OR COMPLETE. Last evaluated: 2006-08-01. Review status: no assertion criteria provided. Collection method: literature only. Allele origin: germline. Not counted in ClinVar's aggregate classification.

Literature cited by the submitters: PubMed 16705068 (cited by Myriad Genetics, Inc. and OMIM); PubMed 21880796 (cited by Myriad Genetics, Inc.); PubMed 32623340 (cited by Myriad Genetics, Inc.).